The following is an entry in ClinVar:

NM_012388.4(BLOC1S6):c.125T>C (p.Leu42Ser)

Gene: BLOC1S6 (biogenesis of lysosomal organelles complex 1 subunit 6; plus strand). Cytogenetic location: 15q21.1.
Variant type: single nucleotide variant.
Coding change: c.125T>C on transcript NM_012388.4 (MANE Select); coding-DNA position 125, T replaced by C.
Protein change: p.Leu42Ser; replaces leucine 42 with serine.
Molecular consequence: missense variant. On other transcripts: non-coding transcript variant (5).
Genome position (GRCh38, 1-based): chr15:45,592,177, T>C. VCF-style: chr15-45592177-T-C. GRCh37 (hg19) VCF-style: chr15-45884375-T-C.
Other names: c.140T>C, p.Leu47Ser (NM_001311255.1, NM_001311256.1); short protein forms L42S, L47S.
Identifiers: ClinVar variation 1056521 (VCV001056521.6), dbSNP rs201461886, ClinGen allele CA7544262.

ClinVar aggregate classification (germline): Uncertain significance (1 of 4 stars; one submission).

Conditions:
Hermansky-Pudlak syndrome 9 (HPS9). Identifiers: Orphanet 280663, Orphanet 79430, MedGen C3280026, MONDO:0013606, OMIM 614171.

Allele frequency attached by ClinVar (database versions not stated): ExAC 0.00001; gnomAD exomes 0.00001 and 0.00003; TOPMed 0.00009; gnomAD 0.00015 and 0.00016; 1000 Genomes Project 30x 0.00016; 1000 Genomes Project 0.00020.
gnomAD v4.1: 44 of 1,614,154 alleles (0.0027%); highest among the groups gnomAD compares: Admixed American, 0.072%; no homozygotes.

Submission:

Labcorp Genetics (formerly Invitae), Labcorp
Classification: Uncertain significance for Hermansky-Pudlak syndrome 9. Last evaluated: 2022-08-16. Review status: criteria provided, single submitter. Criteria: Invitae Variant Classification Sherloc (09022015). Collection method: clinical testing. Allele origin: germline.
Comment: This sequence change replaces leucine, which is neutral and non-polar, with serine, which is neutral and polar, at codon 42 of the BLOC1S6 protein (p.Leu42Ser). This variant is present in population databases (rs201461886, gnomAD 0.02%). This variant has not been reported in the literature in individuals affected with BLOC1S6-related conditions. ClinVar contains an entry for this variant (Variation ID: 1056521). Algorithms developed to predict the effect of missense changes on protein structure and function are either unavailable or do not agree on the potential impact of this missense change (SIFT: "Deleterious"; PolyPhen-2: "Benign"; Align-GVGD: "Class C25"). Algorithms developed to predict the effect of sequence changes on RNA splicing suggest that this variant may create or strengthen a splice site. In summary, the available evidence is currently insufficient to determine the role of this variant in disease. Therefore, it has been classified as a Variant of Uncertain Significance.